The following is an entry in ClinVar:

ClinVar aggregate classification (germline): Uncertain significance (1 of 4 stars; one submission).

Conditions:
Inborn genetic diseases. Identifiers: MedGen C0950123, MeSH D030342.

Allele frequency attached by ClinVar (database versions not stated): gnomAD 0.00001; gnomAD exomes 0.00001; TOPMed 0.00001; ExAC 0.00002.
gnomAD v4.1: 20 of 1,604,858 alleles (0.0012%); highest among the groups gnomAD compares: Admixed American, 0.0033%; no homozygotes.

Submission:

Ambry Genetics
Classification: Uncertain significance for Inborn genetic diseases. Last evaluated: 2022-06-27. Review status: criteria provided, single submitter. Criteria: Ambry Variant Classification Scheme 2023. Collection method: clinical testing. Allele origin: germline.
Comment: The p.N944S variant (also known as c.2831A>G), located in coding exon 20 of the MIB1 gene, results from an A to G substitution at nucleotide position 2831. The asparagine at codon 944 is replaced by serine, an amino acid with highly similar properties. This amino acid position is conserved. In addition, this alteration is predicted to be tolerated by in silico analysis. Since supporting evidence is limited at this time, the clinical significance of this alteration remains unclear.

NM_020774.4(MIB1):c.2831A>G (p.Asn944Ser)

Gene: MIB1 (MIB E3 ubiquitin protein ligase 1; plus strand). Cytogenetic location: 18q11.2.
Variant type: single nucleotide variant.
Coding change: c.2831A>G on transcript NM_020774.4 (MANE Select); coding-DNA position 2831, A replaced by G.
Protein change: p.Asn944Ser; replaces asparagine 944 with serine.
Molecular consequence: missense variant.
Genome position (GRCh38, 1-based): chr18:21,858,597, A>G. VCF-style: chr18-21858597-A-G. GRCh37 (hg19) VCF-style: chr18-19438558-A-G.
Other names: short protein forms N944S.
Identifiers: ClinVar variation 1796596 (VCV001796596.2), dbSNP rs781764643, ClinGen allele CA8908722.